The following is an entry in ClinVar:

ClinVar aggregate classification (germline): Uncertain significance (1 of 4 stars; one submission).

Conditions:
Inborn genetic diseases. Identifiers: MedGen C0950123, MeSH D030342.

gnomAD v4.1: 5 of 1,611,726 alleles (0.00031%); highest among the groups gnomAD compares: South Asian, 0.0022%; no homozygotes.

Submission:

Ambry Genetics
Classification: Uncertain significance for Inborn genetic diseases. Last evaluated: 2025-02-02. Review status: criteria provided, single submitter. Criteria: Ambry Variant Classification Scheme 2023. Collection method: clinical testing. Allele origin: germline.
Comment: The p.S825G variant (also known as c.2473A>G), located in coding exon 14 of the FANCM gene, results from an A to G substitution at nucleotide position 2473. The serine at codon 825 is replaced by glycine, an amino acid with similar properties. This amino acid position is conserved. In addition, this alteration is predicted to be tolerated by in silico analysis. Based on the available evidence, the clinical significance of this variant remains unclear.

NM_020937.4(FANCM):c.2473A>G (p.Ser825Gly)

Gene: FANCM (FA complementation group M; plus strand). Cytogenetic location: 14q21.2.
Variant type: single nucleotide variant.
Coding change: c.2473A>G on transcript NM_020937.4 (MANE Select); coding-DNA position 2473, A replaced by G.
Protein change: p.Ser825Gly; replaces serine 825 with glycine.
Molecular consequence: missense variant.
Genome position (GRCh38, 1-based): chr14:45,175,227, A>G. VCF-style: chr14-45175227-A-G. GRCh37 (hg19) VCF-style: chr14-45644430-A-G.
Other names: c.2395A>G, p.Ser799Gly (NM_001308133.2); short protein forms S825G, S799G.
Identifiers: ClinVar variation 3848686 (VCV003848686.1).